The following is an entry in ClinVar:

ClinVar aggregate classification (germline): Uncertain significance (1 of 4 stars; one submission).

Conditions:
Charcot-Marie-Tooth disease type 2. Also called: Charcot-Marie-Tooth type 2. Identifiers: Orphanet 64746, MedGen C0270914, MONDO:0018993.

Submission:

Labcorp Genetics (formerly Invitae), Labcorp
Classification: Uncertain significance for Charcot-Marie-Tooth disease type 2. Last evaluated: 2025-01-17. Review status: criteria provided, single submitter. Criteria: Invitae Variant Classification Sherloc (09022015). Collection method: clinical testing. Allele origin: germline.
Comment: This sequence change replaces leucine, which is neutral and non-polar, with tryptophan, which is neutral and slightly polar, at codon 1078 of the KIF1B protein (p.Leu1078Trp). This variant is not present in population databases (gnomAD no frequency). This variant has not been reported in the literature in individuals affected with KIF1B-related conditions. An algorithm developed to predict the effect of missense changes on protein structure and function (PolyPhen-2) suggests that this variant is likely to be disruptive. In summary, the available evidence is currently insufficient to determine the role of this variant in disease. Therefore, it has been classified as a Variant of Uncertain Significance.

NM_001365951.3(KIF1B):c.3371T>G (p.Leu1124Trp)

Gene: KIF1B (kinesin family member 1B; plus strand). Cytogenetic location: 1p36.22.
Variant type: single nucleotide variant.
Coding change: c.3371T>G on transcript NM_001365951.3 (MANE Select); coding-DNA position 3371, T replaced by G.
Protein change: p.Leu1124Trp; replaces leucine 1124 with tryptophan.
Molecular consequence: missense variant.
Genome position (GRCh38, 1-based): chr1:10,337,482, T>G. VCF-style: chr1-10337482-T-G. GRCh37 (hg19) VCF-style: chr1-10397540-T-G.
Other names: c.3371T>G, p.Leu1124Trp (NM_001365952.1); c.3233T>G, p.Leu1078Trp (NM_015074.3); short protein forms L1078W, L1124W.
Identifiers: ClinVar variation 3671127 (VCV003671127.2).